The following is an entry in ClinVar:

NM_080669.6(SLC46A1):c.779C>G (p.Pro260Arg)

Gene: SLC46A1 (solute carrier family 46 member 1; minus strand). Cytogenetic location: 17q11.2.
Variant type: single nucleotide variant.
Coding change: c.779C>G on transcript NM_080669.6 (MANE Select); coding-DNA position 779, C replaced by G.
Protein change: p.Pro260Arg; replaces proline 260 with arginine.
Molecular consequence: missense variant.
Genome position (GRCh38, 1-based): chr17:28,404,918, G>C on the plus strand (C>G on the coding strand, the complement: SLC46A1 is on the minus strand). VCF-style: chr17-28404918-G-C. GRCh37 (hg19) VCF-style: chr17-26731936-G-C.
Other names: c.779C>G, p.Pro260Arg (NM_001242366.3); short protein forms P260R.
Identifiers: ClinVar variation 1504584 (VCV001504584.6), dbSNP rs2142465643, ClinGen allele CA398348528.

ClinVar aggregate classification (germline): Uncertain significance (1 of 4 stars; one submission).

Submission:

Labcorp Genetics (formerly Invitae), Labcorp
Classification: Uncertain significance. Last evaluated: 2022-02-24. Review status: criteria provided, single submitter. Criteria: Invitae Variant Classification Sherloc (09022015). Collection method: clinical testing. Allele origin: germline.
Comment: In summary, the available evidence is currently insufficient to determine the role of this variant in disease. Therefore, it has been classified as a Variant of Uncertain Significance. This variant has not been reported in the literature in individuals affected with SLC46A1-related conditions. This variant is not present in population databases (gnomAD no frequency). This sequence change replaces proline with arginine at codon 260 of the SLC46A1 protein (p.Pro260Arg). The proline residue is moderately conserved and there is a moderate physicochemical difference between proline and arginine.